The following is an entry in ClinVar:

NM_000330.4(RS1):c.68C>A (p.Ser23Ter)

Gene: RS1 (retinoschisin 1; minus strand). Cytogenetic location: Xp22.13.
Variant type: single nucleotide variant.
Coding change: c.68C>A on transcript NM_000330.4 (MANE Select); coding-DNA position 68, C replaced by A.
Protein change: p.Ser23Ter; replaces serine 23 with a stop codon.
Molecular consequence: nonsense.
Genome position (GRCh38, 1-based): chrX:18,657,650, G>T on the plus strand (C>A on the coding strand, the complement: RS1 is on the minus strand). VCF-style: chrX-18657650-G-T. GRCh37 (hg19) VCF-style: chrX-18675770-G-T.
Other names: NM_000330.4(RS1):c.68C>A; p.Ser23Ter; short protein forms S23*.
Identifiers: ClinVar variation 99020 (VCV000099020.2), dbSNP rs62645882, ClinGen allele CA226850.
Genomic context (GRCh38, chrX:18,657,650, plus strand): 5'-TTTTCAAAAGTACTATGCATGTACATTACAGCCTTCTTACTGTTACATACCTCGGTAGAC[G>T]ATAATCCCAATGTGGCTAAAGCAAAAGGATGAGACAGAAAAAATCTAATTAATGAAAGAG-3'

ClinVar aggregate classification (germline): Pathogenic. Review status: reviewed by expert panel (3 of 4 stars). 2 submissions from 2 submitters: Pathogenic (1). 1 of the submissions does not count toward it. Last evaluated 2025-05-19.

Conditions:
Juvenile retinoschisis (RS1). Also called: X-Linked Juvenile Retinoschisis; X-linked retinoschisis. Identifiers: Orphanet 792, MedGen C3714753, MONDO:0010725, OMIM 312700.

Submissions (2):

ClinGen X-linked Inherited Retinal Disease Variant Curation Expert Panel, ClinGen
Classification: Pathogenic for Juvenile retinoschisis. Last evaluated: 2025-05-19. Review status: reviewed by expert panel. Criteria: ClinGen X LinkedIRD ACMG Specifications RS1 V1.0.0. Collection method: curation. Allele origin: germline. Inheritance: X-linked inheritance.
Comment: The NM_000330.4(RS1):c.68C>A variant is a nonsense variant in amino acid 23, which results in a premature stop codon and causes a truncated protein. This is a nonsense variant that introduces a premature stop codon between amino acids 1-223 that is predicted to either trigger nonsense-mediated decay or to disrupt a critical C-terminal region required for proper multimerization of RS1 (PVS1, PMID: 19849666). This variant is absent from hemizygous individuals in gnomAD v4.1.0 (PM2_Supporting). This variant has been reported in at least 2 probands meeting the PS4 requirement of a male diagnosed with X-linked retinoschisis (PS4_supporting, PMIDs: 9618178, 35456481). In summary, this variant is classified as pathogenic for X-linked retinoschisis based on the ClinGen X-linked Inherited Retinal Disease Expert Panel Specifications to the ACMG/AMP Variant Interpretation Guidelines for RS1 Version 1.0.0: PVS1, PS4_supporting, and PM2_supporting (date of approval 01/24/2025).

Retina International
No classification provided. Review status: no classification provided. Collection method: not provided. Allele origin: not provided. Not counted in ClinVar's aggregate classification.